The following is an entry in ClinVar:

GRCh38/hg38 22q11.21(chr22:18339130-21207225)x3

Genes: AIFM3 (AIF family member 3; plus strand), ARVCF (ARVCF delta catenin family member; minus strand), C22orf39 (chromosome 22 open reading frame 39; minus strand), CCDC188 (coiled-coil domain containing 188; minus strand), CDC45 (cell division cycle 45; plus strand) and 189 more. Cytogenetic location: 22q11.21.
Variant type: copy number gain.
Change: copy number 3 (three copies instead of two) of chr22:18,339,130-21,207,225 (2.87 Mb, GRCh38 coordinates, 1-based), cytogenetic band 22q11.21.
Identifiers: ClinVar variation 160782 (VCV000160782.1).

ClinVar aggregate classification (germline): Pathogenic (1 of 4 stars; one submission).

Submission:

ISCA site 17
Classification: Pathogenic. Last evaluated: 2011-08-12. Review status: criteria provided, single submitter. Criteria: Kaminsky et al. (Genet Med. 2011). Collection method: clinical testing. Allele origin: unknown. Affected: yes. Observed: 1 variant allele.
Comment: Copy number variation identified through the course of routine clinical cytogenomic testing in postnatal populations. Clinical assertions have been curated as described in Kaminsky et al. 2011.